The following is an entry in ClinVar:

ClinVar aggregate classification (germline): Uncertain significance (1 of 4 stars; one submission).

Conditions:
Combined oxidative phosphorylation defect type 14. Also called: Combined oxidative phosphorylation deficiency 14. Identifiers: Orphanet 319519, MedGen C4755312, MONDO:0013986, OMIM 614946.

Allele frequency attached by ClinVar (database versions not stated): gnomAD exomes 0.00001; ExAC 0.00001; gnomAD 0.00001; TOPMed 0.00002.
gnomAD v4.1: 8 of 1,613,998 alleles (0.0005%); highest among the groups gnomAD compares: Admixed American, 0.005%; no homozygotes.

Submission:

Labcorp Genetics (formerly Invitae), Labcorp
Classification: Uncertain significance for Combined oxidative phosphorylation defect type 14. Last evaluated: 2022-06-13. Review status: criteria provided, single submitter. Criteria: Invitae Variant Classification Sherloc (09022015). Collection method: clinical testing. Allele origin: germline.
Comment: This sequence change replaces histidine, which is basic and polar, with glutamine, which is neutral and polar, at codon 159 of the FARS2 protein (p.His159Gln). This variant is present in population databases (rs775340627, gnomAD 0.006%). This variant has not been reported in the literature in individuals affected with FARS2-related conditions. ClinVar contains an entry for this variant (Variation ID: 1045397). Advanced modeling of protein sequence and biophysical properties (such as structural, functional, and spatial information, amino acid conservation, physicochemical variation, residue mobility, and thermodynamic stability) performed at Invitae indicates that this missense variant is expected to disrupt FARS2 protein function. In summary, the available evidence is currently insufficient to determine the role of this variant in disease. Therefore, it has been classified as a Variant of Uncertain Significance.

NM_006567.5(FARS2):c.477C>A (p.His159Gln)

Genes: FARS2 (phenylalanyl-tRNA synthetase 2, mitochondrial; plus strand), LOC126859565 (CDK7 strongly-dependent group 2 enhancer GRCh37_chr6:5368745-5369944; plus strand). Cytogenetic location: 6p25.1.
Variant type: single nucleotide variant.
Coding change: c.477C>A on transcript NM_006567.5 (MANE Select); coding-DNA position 477, C replaced by A.
Protein change: p.His159Gln; replaces histidine 159 with glutamine.
Molecular consequence: missense variant. On other transcripts: intron variant (2).
Genome position (GRCh38, 1-based): chr6:5,369,047, C>A. VCF-style: chr6-5369047-C-A. GRCh37 (hg19) VCF-style: chr6-5369280-C-A.
Other names: c.477C>A, p.His159Gln (NM_001318872.2, NM_001374875.1, NM_001374876.1 and 5 more transcripts); c.-340-27586C>A (NM_001375260.1); c.-84-35495C>A (NM_001375259.1); short protein forms H159Q.
Identifiers: ClinVar variation 1045397 (VCV001045397.6), dbSNP rs775340627, ClinGen allele CA3623653.
Genomic context (GRCh38, chr6:5,369,047, plus strand): 5'-GAAGGGGGACAACTATTACCTGAATCGGACTCACATGCTGAGAGCGCACACGTCTGCACA[C>A]CAGTGGGACTTGCTGCACGCGGGACTGGATGCCTTCCTGGTGGTGGGTGATGTCTACAGG-3'
Protein context (NP_006558.1, residues 149-169): THMLRAHTSA[His159Gln]QWDLLHAGLD